The following is an entry in ClinVar:

NM_007294.4(BRCA1):c.1425C>G (p.Ser475Arg)

Gene: BRCA1 (BRCA1 DNA repair associated; minus strand). Cytogenetic location: 17q21.31.
Variant type: single nucleotide variant.
Coding change: c.1425C>G on transcript NM_007294.4 (MANE Select); coding-DNA position 1425, C replaced by G.
Protein change: p.Ser475Arg; replaces serine 475 with arginine.
Molecular consequence: missense variant. On other transcripts: intron variant (137).
Genome position (GRCh38, 1-based): chr17:43,094,106, G>C on the plus strand (C>G on the coding strand, the complement: BRCA1 is on the minus strand). VCF-style: chr17-43094106-G-C. GRCh37 (hg19) VCF-style: chr17-41246123-G-C.
Other names: c.1425C>G, p.Ser475Arg (NM_001407652.1, NM_001407603.1, NM_001407605.1 and 30 more transcripts); c.1347C>G, p.Ser449Arg (NM_001407653.1, NM_001407654.1, NM_001407655.1 and 4 more transcripts); c.1344C>G, p.Ser448Arg (NM_001407659.1, NM_001407660.1, NM_001407661.1 and 1 more transcripts); c.1302C>G, p.Ser434Arg (NM_001407664.1, NM_001407665.1, NM_001407937.1 and 19 more transcripts); c.1422C>G, p.Ser474Arg (NM_001407610.1, NM_001407611.1, NM_001407612.1 and 22 more transcripts); c.1158C>G, p.Ser386Arg (NM_001407931.1, NM_001407932.1, NM_001407934.1 and 2 more transcripts); c.1161C>G, p.Ser387Arg (NM_001407933.1, NM_001407935.1, NM_001407920.1 and 9 more transcripts); c.1299C>G, p.Ser433Arg (NM_001407940.1, NM_001407941.1, NM_001407649.1 and 11 more transcripts); and 40 more; short protein forms S179R, S307R, S407R, S427R, S449R, S348R, S364R, S347R.
Identifiers: ClinVar variation 5033163 (VCV005033163.1).

ClinVar aggregate classification (germline): Uncertain significance (1 of 4 stars; one submission).

Conditions:
Hereditary cancer-predisposing syndrome. Also called: Neoplastic Syndromes, Hereditary; Tumor predisposition; Hereditary neoplastic syndrome; Hereditary Cancer Syndrome. Identifiers: Orphanet 140162, MedGen C0027672, MeSH D009386, MONDO:0015356.

Submission:

Ambry Genetics
Classification: Uncertain significance for Hereditary cancer-predisposing syndrome. Last evaluated: 2026-06-24. Review status: criteria provided, single submitter. Criteria: Ambry Variant Classification Scheme 2023. Collection method: clinical testing. Allele origin: germline.
Comment: The p.S475R variant (also known as c.1425C>G), located in coding exon 9 of the BRCA1 gene, results from a C to G substitution at nucleotide position 1425. The serine at codon 475 is replaced by arginine, an amino acid with dissimilar properties. This amino acid position is conserved. In addition, this alteration is predicted to be deleterious by in silico analysis. Based on the available evidence, the clinical significance of this variant remains unclear.